The following is an entry in ClinVar:

NM_015631.6(TCTN3):c.1160T>C (p.Val387Ala)

Gene: TCTN3 (tectonic family member 3; minus strand). Cytogenetic location: 10q24.1.
Variant type: single nucleotide variant.
Coding change: c.1160T>C on transcript NM_015631.6 (MANE Select); coding-DNA position 1160, T replaced by C.
Protein change: p.Val387Ala; replaces valine 387 with alanine.
Molecular consequence: missense variant.
Genome position (GRCh38, 1-based): chr10:95,683,565, A>G on the plus strand (T>C on the coding strand, the complement: TCTN3 is on the minus strand). VCF-style: chr10-95683565-A-G. GRCh37 (hg19) VCF-style: chr10-97443322-A-G.
Other names: c.1160T>C (NM_015631.5); c.1214T>C, p.Val405Ala (NM_001013840.1); c.716T>C, p.Val239Ala (NM_001143973.2); c.1079T>C, p.Val360Ala (NM_001410982.1); short protein forms V239A, V387A, V405A, V360A.
Identifiers: ClinVar variation 1953638 (VCV001953638.7), dbSNP rs756610295, ClinGen allele CA5620937.
Genomic context (GRCh38, chr10:95,683,565, plus strand): 5'-AGCTCTAAAAAGGATACTGAGTAACTTATATCATCAGTCAGAGCCAAGAGTGGCTTCCCA[A>G]CTATATAGCCAGGATTCCCACTTCTAGGACTGGTGAGAGAAGCAGCTGTGCTCTGTTGAA-3'
Protein context (NP_056446.4, residues 377-397): SPRSGNPGYI[Val387Ala]GKPLLALTDD

ClinVar aggregate classification (germline): Uncertain significance. Review status: criteria provided, multiple submitters, no conflicts (2 of 4 stars). 3 submissions from 3 submitters: Uncertain significance (3). Last evaluated 2024-10-07.

Conditions:
Joubert syndrome 18 (JBTS18). Identifiers: Orphanet 2754, MedGen C3553758, MONDO:0013896, OMIM 614815.
Orofacial-digital syndrome IV (OFD4). Also called: Orofaciodigital syndrome IV; BARAITSER-BURN SYNDROME; OFD SYNDROME WITH TIBIAL DEFECTS; OFD SYNDROME, BARAITSER-BURN TYPE; OFDS IV; ORAL-FACIAL-DIGITAL SYNDROME, TYPE IV. Identifiers: Orphanet 2753, MedGen C0406727, MONDO:0009794, OMIM 258860.
Inborn genetic diseases. Identifiers: MedGen C0950123, MeSH D030342.

Allele frequency attached by ClinVar (database versions not stated): ExAC 0.00001; gnomAD 0.00001; TOPMed 0.00002.

Submissions (3):

Ambry Genetics
Classification: Uncertain significance for Inborn genetic diseases. Last evaluated: 2024-10-07. Review status: criteria provided, single submitter. Criteria: Ambry Variant Classification Scheme 2023. Collection method: clinical testing. Allele origin: germline.

GeneDx
Classification: Uncertain significance. Last evaluated: 2024-09-28. Review status: criteria provided, single submitter. Criteria: GeneDx Variant Classification Process June 2021. Collection method: clinical testing. Allele origin: germline. Affected: yes.
Comment: Not observed at significant frequency in large population cohorts (gnomAD); In silico analysis indicates that this missense variant does not alter protein structure/function; Has not been previously published as pathogenic or benign to our knowledge

Labcorp Genetics (formerly Invitae), Labcorp
Classification: Uncertain significance for Joubert syndrome 18; Orofacial-digital syndrome IV. Last evaluated: 2022-01-28. Review status: criteria provided, single submitter. Criteria: Invitae Variant Classification Sherloc (09022015). Collection method: clinical testing. Allele origin: germline.
Comment: Algorithms developed to predict the effect of missense changes on protein structure and function output the following: SIFT: "Tolerated"; PolyPhen-2: "Benign"; Align-GVGD: "Class C0". The alanine amino acid residue is found in multiple mammalian species, which suggests that this missense change does not adversely affect protein function. This sequence change replaces valine, which is neutral and non-polar, with alanine, which is neutral and non-polar, at codon 387 of the TCTN3 protein (p.Val387Ala). This variant is present in population databases (rs756610295, gnomAD 0.009%). This variant has not been reported in the literature in individuals affected with TCTN3-related conditions. In summary, the available evidence is currently insufficient to determine the role of this variant in disease. Therefore, it has been classified as a Variant of Uncertain Significance.